The following is an entry in ClinVar:

ClinVar aggregate classification (germline): Conflicting classifications of pathogenicity. Review status: criteria provided, conflicting classifications (1 of 4 stars). 3 submissions from 3 submitters: Likely pathogenic (1); Uncertain significance (2). Last evaluated 2025-03-29.

Conditions:
Brown-Vialetto-van Laere syndrome 1. Also called: BROWN-VIALETTO-VAN LAERE SYNDROME 1, MILD; BULBAR PALSY, PROGRESSIVE, WITH SENSORINEURAL DEAFNESS; PONTOBULBAR PALSY WITH DEAFNESS. Identifiers: Orphanet 572550, Orphanet 97229, MedGen C0796274, MONDO:0024537, OMIM 211530.
SLC52A3-related disorder. Also called: SLC52A3-related condition.

gnomAD v4.1: 29 of 1,554,762 alleles (0.0019%); highest among the groups gnomAD compares: Non-Finnish European, 0.00035%; no homozygotes.

Submissions (3):

Labcorp Genetics (formerly Invitae), Labcorp
Classification: Uncertain significance for Brown-Vialetto-van Laere syndrome 1. Last evaluated: 2025-03-29. Review status: criteria provided, single submitter. Criteria: Invitae Variant Classification Sherloc (09022015). Collection method: clinical testing. Allele origin: germline.
Comment: This sequence change replaces glycine, which is neutral and non-polar, with arginine, which is basic and polar, at codon 408 of the SLC52A3 protein (p.Gly408Arg). This variant is present in population databases (no rsID available, gnomAD 0.06%). This variant has not been reported in the literature in individuals affected with SLC52A3-related conditions. ClinVar contains an entry for this variant (Variation ID: 3377625). Invitae Evidence Modeling of protein sequence and biophysical properties (such as structural, functional, and spatial information, amino acid conservation, physicochemical variation, residue mobility, and thermodynamic stability) indicates that this missense variant is expected to disrupt SLC52A3 protein function with a positive predictive value of 95%. In summary, the available evidence is currently insufficient to determine the role of this variant in disease. Therefore, it has been classified as a Variant of Uncertain Significance.

Blueprint Genetics
Classification: Likely pathogenic for SLC52A3-related disorders. Last evaluated: 2023-01-26. Review status: criteria provided, single submitter. Criteria: ACMG Guidelines, 2015. Collection method: clinical testing. Allele origin: germline. Affected: yes. Observed: 4 variant alleles.

Neuberg Centre For Genomic Medicine, NCGM
Classification: Uncertain significance for Brown-Vialetto-van Laere syndrome 1. Review status: criteria provided, single submitter. Criteria: ACMG Guidelines, 2015. Collection method: clinical testing. Allele origin: germline. Inheritance: Autosomal recessive inheritance. Affected: yes.
Comment: The missense variant c.1222G>C (p.Gly408Arg) in the SLC52A3 gene has not been reported previously as a pathogenic variant nor as a benign variant, to our knowledge. The variant has 0.005% allele frequency in gnomAD Exomes . The amino acid Glycine at position 408 is changed to a Arginine changing protein sequence and it might alter its composition and physico-chemical properties. Multiple lines of computational evidence (Polyphen - Damaging, SIFT - Damaging and MutationTaster - Disease causing) predict a damaging effect on protein structure and function for this variant. The amino acid change p.Gly408Arg in SLC52A3 is predicted as conserved by GERP++ and PhyloP across 100 vertebrates. For these reasons, this variant has been classified as Uncertain Significance. In the absence of another reportable variant, the molecular diagnosis is not confirmed.

NM_033409.4(SLC52A3):c.1222G>C (p.Gly408Arg)

Gene: SLC52A3 (solute carrier family 52 member 3; minus strand). Cytogenetic location: 20p13.
Variant type: single nucleotide variant.
Coding change: c.1222G>C on transcript NM_033409.4 (MANE Select); coding-DNA position 1222, G replaced by C.
Protein change: p.Gly408Arg; replaces glycine 408 with arginine.
Molecular consequence: missense variant.
Genome position (GRCh38, 1-based): chr20:761,214, C>G on the plus strand (G>C on the coding strand, the complement: SLC52A3 is on the minus strand). VCF-style: chr20-761214-C-G. GRCh37 (hg19) VCF-style: chr20-741858-C-G.
Other names: c.1222G>C, p.Gly408Arg (NM_001370085.1, NM_001370086.1); short protein forms G408R.
Identifiers: ClinVar variation 3377625 (VCV003377625.3).